The following is an entry in ClinVar:

ClinVar aggregate classification (germline): Uncertain significance (1 of 4 stars; one submission).

Conditions:
Aland island eye disease (AIED). Also called: Forsius Eriksson type ocular albinism. Identifiers: Orphanet 178333, MedGen C0268505, MONDO:0010371, OMIM 300600.

Submission:

3billion
Classification: Uncertain significance for Aland island eye disease. Last evaluated: 2023-08-26. Review status: criteria provided, single submitter. Criteria: ACMG Guidelines, 2015. Collection method: clinical testing. Allele origin: germline. Affected: yes.
Comment: The variant is not observed in the gnomAD v2.1.1 dataset. Predicted Consequence/Location: Inframe deletion located in a nonrepeat region: predicted to change the length of the protein and disrupt normal protein function. Therefore, this variant is classified as VUS according to the recommendation of ACMG/AMP guideline.

NM_001256789.3(CACNA1F):c.3313TTC[1] (p.Phe1106del)

Gene: CACNA1F (calcium voltage-gated channel subunit alpha1 F; minus strand). Cytogenetic location: Xp11.23.
Variant type: Microsatellite.
Coding change: c.3313TTC[1] on transcript NM_001256789.3 (MANE Select); one copy of the 3-base unit TTC starting at c.3313; the reference has two copies in a row; one copy, 3 bases deleted; also written c.3316_3318del.
Protein change: p.Phe1106del; deletes phenylalanine 1106.
Molecular consequence: inframe deletion.
Genome position (GRCh38, 1-based): chrX:49,215,462-49,215,464, GAA deleted on the plus strand (TTC on the coding strand, the reverse complement: CACNA1F is on the minus strand); deleting any 3 consecutive bases within chrX:49,215,462-49,215,467 gives the same sequence; the position shown is the placement nearest the transcript's 3' end. VCF-style (leftmost placement, unchanged base first): chrX-49215461-TGAA-T. GRCh37 (hg19) VCF-style: chrX-49071921-TGAA-T.
Other names: c.3151TTC[1], p.Phe1052del (NM_001256790.3); c.3346TTC[1], p.Phe1117del (NM_005183.4); c.3316_3318del (NM_001256789.3); short protein forms F1052del, F1106del, F1117del.
Identifiers: ClinVar variation 3775414 (VCV003775414.1).
Genomic context (GRCh38, chrX:49,215,461, plus strand): 5'-TGATGACGAAGCCCACGAAGATGTTCATCATGAAGAACGCAATGATGATGATGTAGACAA[TGAA>T]GAACACTGAGATCTCCACACGGTAATTATAGATGGGGCCGTGGTCCTCTGCATATGCATC-3'